The following is an entry in ClinVar:

NM_000751.3(CHRND):c.1544G>A (p.Arg515His)

Gene: CHRND (cholinergic receptor nicotinic delta subunit; plus strand). Cytogenetic location: 2q37.1.
Variant type: single nucleotide variant.
Coding change: c.1544G>A on transcript NM_000751.3 (MANE Select); coding-DNA position 1544, G replaced by A.
Protein change: p.Arg515His; replaces arginine 515 with histidine.
Molecular consequence: missense variant.
Genome position (GRCh38, 1-based): chr2:232,535,302, G>A. VCF-style: chr2-232535302-G-A. GRCh37 (hg19) VCF-style: chr2-233400012-G-A.
Other names: c.1544G>A (NM_000751.2, NM_000751.1); c.1499G>A, p.Arg500His (NM_001256657.2); c.962G>A, p.Arg321His (NM_001311195.2); c.1241G>A, p.Arg414His (NM_001311196.2); short protein forms R321H, R414H, R500H, R515H.
Identifiers: ClinVar variation 1003467 (VCV001003467.12), dbSNP rs570911554, ClinGen allele CA2168381.

ClinVar aggregate classification (germline): Uncertain significance. Review status: criteria provided, multiple submitters, no conflicts (2 of 4 stars). 3 submissions from 3 submitters: Uncertain significance (3). Last evaluated 2025-10-17.

Conditions:
Inborn genetic diseases. Identifiers: MedGen C0950123, MeSH D030342.
Lethal multiple pterygium syndrome (LMPS). Identifiers: Orphanet 33108, MedGen C1854678, MONDO:0009668, OMIM 253290.

Allele frequency attached by ClinVar (database versions not stated): gnomAD 0.00001; ExAC 0.00002; gnomAD exomes 0.00002; TOPMed 0.00002.
gnomAD v4.1: 16 of 1,613,536 alleles (0.00099%); highest among the groups gnomAD compares: Middle Eastern, 0.016%; no homozygotes.

Submissions (3):

Labcorp Genetics (formerly Invitae), Labcorp
Classification: Uncertain significance for Lethal multiple pterygium syndrome. Last evaluated: 2025-10-17. Review status: criteria provided, single submitter. Criteria: Invitae Variant Classification Sherloc (09022015). Collection method: clinical testing. Allele origin: germline.
Comment: This sequence change replaces arginine, which is basic and polar, with histidine, which is basic and polar, at codon 515 of the CHRND protein (p.Arg515His). This variant is present in population databases (rs570911554, gnomAD 0.009%). This variant has not been reported in the literature in individuals affected with CHRND-related conditions. ClinVar contains an entry for this variant (Variation ID: 1003467). Invitae Evidence Modeling of protein sequence and biophysical properties (such as structural, functional, and spatial information, amino acid conservation, physicochemical variation, residue mobility, and thermodynamic stability) has been performed for this missense variant. However, the output from this modeling did not meet the statistical confidence thresholds required to predict the impact of this variant on CHRND protein function. In summary, the available evidence is currently insufficient to determine the role of this variant in disease. Therefore, it has been classified as a Variant of Uncertain Significance.

Ambry Genetics
Classification: Uncertain significance for Inborn genetic diseases. Last evaluated: 2024-10-07. Review status: criteria provided, single submitter. Criteria: Ambry Variant Classification Scheme 2023. Collection method: clinical testing. Allele origin: germline.

Revvity Omics, Revvity
Classification: Uncertain significance. Last evaluated: 2019-06-13. Review status: criteria provided, single submitter. Criteria: ACMG Guidelines, 2015. Collection method: clinical testing. Allele origin: germline.